The following is an entry in ClinVar:

NM_001042492.3(NF1):c.1048G>T (p.Val350Leu)

Gene: NF1 (neurofibromin 1; plus strand). Cytogenetic location: 17q11.2.
Variant type: single nucleotide variant.
Coding change: c.1048G>T on transcript NM_001042492.3 (MANE Select); coding-DNA position 1048, G replaced by T.
Protein change: p.Val350Leu; replaces valine 350 with leucine.
Molecular consequence: missense variant.
Genome position (GRCh38, 1-based): chr17:31,200,581, G>T. VCF-style: chr17-31200581-G-T. GRCh37 (hg19) VCF-style: chr17-29527599-G-T.
Other names: c.1048G>T, p.Val350Leu (NM_000267.4, NM_001128147.3); short protein forms V350L.
Identifiers: ClinVar variation 3237927 (VCV003237927.1), dbSNP rs1185636269.

ClinVar aggregate classification (germline): Uncertain significance (1 of 4 stars; one submission).

Conditions:
Hereditary cancer-predisposing syndrome. Also called: Neoplastic Syndromes, Hereditary; Tumor predisposition; Hereditary neoplastic syndrome; Hereditary Cancer Syndrome. Identifiers: Orphanet 140162, MedGen C0027672, MeSH D009386, MONDO:0015356.
Cardiovascular phenotype. Identifiers: MedGen CN230736.

Submission:

Ambry Genetics
Classification: Uncertain significance for Cardiovascular phenotype; Hereditary cancer-predisposing syndrome. Last evaluated: 2023-04-19. Review status: criteria provided, single submitter. Criteria: Ambry Variant Classification Scheme 2023. Collection method: clinical testing. Allele origin: germline.
Comment: The p.V350L variant (also known as c.1048G>T), located in coding exon 9 of the NF1 gene, results from a G to T substitution at nucleotide position 1048. The valine at codon 350 is replaced by leucine, an amino acid with highly similar properties. This amino acid position is conserved. In addition, the in silico prediction for this alteration is inconclusive. Since supporting evidence is limited at this time, the clinical significance of this alteration remains unclear.